The following is an entry in ClinVar:

NM_021975.4(RELA):c.820C>T (p.Arg274Trp)

Gene: RELA (RELA proto-oncogene, NF-kB subunit; minus strand). Cytogenetic location: 11q13.1.
Variant type: single nucleotide variant.
Coding change: c.820C>T on transcript NM_021975.4 (MANE Select); coding-DNA position 820, C replaced by T.
Protein change: p.Arg274Trp; replaces arginine 274 with tryptophan.
Molecular consequence: missense variant.
Genome position (GRCh38, 1-based): chr11:65,658,344, G>A on the plus strand (C>T on the coding strand, the complement: RELA is on the minus strand). VCF-style: chr11-65658344-G-A. GRCh37 (hg19) VCF-style: chr11-65425815-G-A.
Other names: c.811C>T, p.Arg271Trp (NM_001145138.2); c.820C>T, p.Arg274Trp (NM_001243984.2, NM_001243985.2); c.853C>T, p.Arg285Trp (NM_001404657.1); c.793C>T, p.Arg265Trp (NM_001404658.1); c.439C>T, p.Arg147Trp (NM_001404661.1); c.727C>T, p.Arg243Trp (NM_001404662.1, NM_001404663.1); short protein forms R147W, R243W, R265W, R271W, R274W, R285W.
Identifiers: ClinVar variation 1713667 (VCV001713667.6), dbSNP rs1252847592, ClinGen allele CA13419741.

ClinVar aggregate classification (germline): Uncertain significance (1 of 4 stars; one submission).

gnomAD v4.1: 3 of 1,612,856 alleles (0.00019%); highest among the groups gnomAD compares: Admixed American, 0.0017%; no homozygotes.

Submission:

Labcorp Genetics (formerly Invitae), Labcorp
Classification: Uncertain significance. Last evaluated: 2022-09-20. Review status: criteria provided, single submitter. Criteria: Invitae Variant Classification Sherloc (09022015). Collection method: clinical testing. Allele origin: germline.
Comment: In summary, the available evidence is currently insufficient to determine the role of this variant in disease. Therefore, it has been classified as a Variant of Uncertain Significance. Algorithms developed to predict the effect of missense changes on protein structure and function are either unavailable or do not agree on the potential impact of this missense change (SIFT: "Deleterious"; PolyPhen-2: "Probably Damaging"; Align-GVGD: "Class C0"). This variant has not been reported in the literature in individuals affected with RELA-related conditions. The frequency data for this variant in the population databases is considered unreliable, as metrics indicate poor data quality at this position in the gnomAD database. This sequence change replaces arginine, which is basic and polar, with tryptophan, which is neutral and slightly polar, at codon 274 of the RELA protein (p.Arg274Trp).